The following is an entry in ClinVar:

NM_152384.3(BBS5):c.752A>G (p.Asn251Ser)

Gene: BBS5 (Bardet-Biedl syndrome 5; plus strand). Cytogenetic location: 2q31.1.
Variant type: single nucleotide variant.
Coding change: c.752A>G on transcript NM_152384.3 (MANE Select); coding-DNA position 752, A replaced by G.
Protein change: p.Asn251Ser; replaces asparagine 251 with serine.
Molecular consequence: missense variant.
Genome position (GRCh38, 1-based): chr2:169,499,556, A>G. VCF-style: chr2-169499556-A-G. GRCh37 (hg19) VCF-style: chr2-170356066-A-G.
Other names: short protein forms N251S.
Identifiers: ClinVar variation 1022868 (VCV001022868.6), dbSNP rs779916920, ClinGen allele CA1956311.

ClinVar aggregate classification (germline): Uncertain significance (1 of 4 stars; one submission).

Conditions:
Bardet-Biedl syndrome (BBS). Identifiers: Orphanet 110, MedGen C0752166, MONDO:0015229.

Allele frequency attached by ClinVar (database versions not stated): gnomAD exomes below 0.00001; ExAC 0.00001.
gnomAD v4.1: 6 of 1,613,716 alleles (0.00037%); highest among the groups gnomAD compares: Admixed American, 0.0017%; no homozygotes.

Submission:

Labcorp Genetics (formerly Invitae), Labcorp
Classification: Uncertain significance for Bardet-Biedl syndrome. Last evaluated: 2021-08-26. Review status: criteria provided, single submitter. Criteria: Invitae Variant Classification Sherloc (09022015). Collection method: clinical testing. Allele origin: germline.
Comment: This sequence change replaces asparagine with serine at codon 251 of the BBS5 protein (p.Asn251Ser). The asparagine residue is highly conserved and there is a small physicochemical difference between asparagine and serine. This variant is present in population databases (rs779916920, ExAC 0.001%). This variant has not been reported in the literature in individuals affected with BBS5-related conditions. Algorithms developed to predict the effect of missense changes on protein structure and function are either unavailable or do not agree on the potential impact of this missense change (SIFT: "Tolerated"; PolyPhen-2: "Probably Damaging"; Align-GVGD: "Class C0"). In summary, the available evidence is currently insufficient to determine the role of this variant in disease. Therefore, it has been classified as a Variant of Uncertain Significance.